The following is an entry in ClinVar:

NM_002397.5(MEF2C):c.206A>T (p.Tyr69Phe)

Gene: MEF2C (myocyte enhancer factor 2C; minus strand). Cytogenetic location: 5q14.3.
Variant type: single nucleotide variant.
Coding change: c.206A>T on transcript NM_002397.5 (MANE Select); coding-DNA position 206, A replaced by T.
Protein change: p.Tyr69Phe; replaces tyrosine 69 with phenylalanine.
Molecular consequence: missense variant.
Genome position (GRCh38, 1-based): chr5:88,804,650, T>A on the plus strand (A>T on the coding strand, the complement: MEF2C is on the minus strand). VCF-style: chr5-88804650-T-A. GRCh37 (hg19) VCF-style: chr5-88100467-T-A.
Other names: c.206A>T, p.Tyr69Phe (NM_001131005.2, NM_001193347.1, NM_001193348.1 and 29 more transcripts); short protein forms Y69F.
Identifiers: ClinVar variation 1361251 (VCV001361251.6), dbSNP rs2153074116, ClinGen allele CA360424876.

ClinVar aggregate classification (germline): Uncertain significance (1 of 4 stars; one submission).

Conditions:
Neurodevelopmental disorder with hypotonia, stereotypic hand movements, and impaired language. Also called: Intellectual disability, autosomal dominant 20. Identifiers: Orphanet 228384, Orphanet 664410, MedGen C3150700, MONDO:0013266, OMIM 613443.

Submission:

Labcorp Genetics (formerly Invitae), Labcorp
Classification: Uncertain significance for Neurodevelopmental disorder with hypotonia, stereotypic hand movements, and impaired language. Last evaluated: 2022-08-09. Review status: criteria provided, single submitter. Criteria: Invitae Variant Classification Sherloc (09022015). Collection method: clinical testing. Allele origin: germline.
Comment: In summary, the available evidence is currently insufficient to determine the role of this variant in disease. Therefore, it has been classified as a Variant of Uncertain Significance. Algorithms developed to predict the effect of missense changes on protein structure and function are either unavailable or do not agree on the potential impact of this missense change (SIFT: "Deleterious"; PolyPhen-2: "Probably Damaging"; Align-GVGD: "Class C0"). ClinVar contains an entry for this variant (Variation ID: 1361251). This variant has not been reported in the literature in individuals affected with MEF2C-related conditions. This variant is not present in population databases (gnomAD no frequency). This sequence change replaces tyrosine, which is neutral and polar, with phenylalanine, which is neutral and non-polar, at codon 69 of the MEF2C protein (p.Tyr69Phe).